The following is an entry in ClinVar:

ClinVar aggregate classification (germline): Conflicting classifications of pathogenicity. Review status: criteria provided, conflicting classifications (1 of 4 stars). 3 submissions from 3 submitters: Uncertain significance (1); Likely benign (2). Last evaluated 2025-09-08.

Conditions:
CDHR1-related disorder. Also called: CDHR1-related condition.
Cone-rod dystrophy 15 (CORD15). Identifiers: MedGen C3150912, MONDO:0013348, OMIM 613660.

Allele frequency attached by ClinVar (database versions not stated): ExAC 0.00002; gnomAD exomes 0.00002 and 0.00005; TOPMed 0.00002; gnomAD 0.00003 and 0.00004; ESP Exome Variant Server 0.00008.
gnomAD v4.1: 74 of 1,614,102 alleles (0.0046%); highest among the groups gnomAD compares: African/African-American, 0.0067%; 1 homozygote.

Submissions (3):

Labcorp Genetics (formerly Invitae), Labcorp
Classification: Likely benign. Last evaluated: 2025-09-08. Review status: criteria provided, single submitter. Criteria: Invitae Variant Classification Sherloc (09022015). Collection method: clinical testing. Allele origin: germline.

PreventionGenetics, part of Exact Sciences
Classification: Likely benign for CDHR1-related condition. Last evaluated: 2025-07-28. Review status: criteria provided, single submitter. Criteria: ACMG Guidelines, 2015. Collection method: clinical testing. Allele origin: germline.
Comment: This variant is classified as likely benign based on ACMG/AMP sequence variant interpretation guidelines (Richards et al. 2015 PMID: 25741868, with internal and published modifications).

Illumina Laboratory Services, Illumina
Classification: Uncertain significance for Cone-rod dystrophy 15. Last evaluated: 2018-01-13. Review status: criteria provided, single submitter. Criteria: ICSL Variant Classification Criteria 13 December 2019. Collection method: clinical testing. Allele origin: germline.

NM_033100.4(CDHR1):c.1848C>T (p.Pro616=)

Gene: CDHR1 (cadherin related family member 1; plus strand). Cytogenetic location: 10q23.1.
Variant type: single nucleotide variant.
Coding change: c.1848C>T on transcript NM_033100.4 (MANE Select); coding-DNA position 1848, C replaced by T.
Protein change: p.Pro616=; no amino-acid change (proline 616 retained).
Molecular consequence: synonymous variant.
Genome position (GRCh38, 1-based): chr10:84,213,156, C>T. VCF-style: chr10-84213156-C-T. GRCh37 (hg19) VCF-style: chr10-85972912-C-T.
Other names: c.1848C>T, p.Pro616= (NM_001171971.3).
Identifiers: ClinVar variation 877829 (VCV000877829.15), dbSNP rs147920893, ClinGen allele CA5580069.